The following is an entry in ClinVar:

ClinVar aggregate classification (germline): Uncertain significance (1 of 4 stars; one submission).

Conditions:
Charcot-Marie-Tooth disease axonal type 2C (HMSN2C). Also called: CHARCOT-MARIE-TOOTH DISEASE, AXONAL, AUTOSOMAL DOMINANT, TYPE 2C; Charcot-Marie-Tooth Neuropathy Type 2C; Charcot-Marie-Tooth Disease Type 2, TRPV4-Related (CMT2C). Identifiers: Orphanet 99937, MedGen C1853710, MONDO:0011633, OMIM 606071.

Allele frequency attached by ClinVar (database versions not stated): gnomAD exomes below 0.00001.
gnomAD v4.1: 4 of 1,614,004 alleles (0.00025%); highest among the groups gnomAD compares: African/African-American, 0.0013%; no homozygotes.

Submission:

Labcorp Genetics (formerly Invitae), Labcorp
Classification: Uncertain significance for Charcot-Marie-Tooth disease axonal type 2C. Last evaluated: 2022-03-10. Review status: criteria provided, single submitter. Criteria: Invitae Variant Classification Sherloc (09022015). Collection method: clinical testing. Allele origin: germline.
Comment: This variant is not present in population databases (gnomAD no frequency). This sequence change replaces serine, which is neutral and polar, with phenylalanine, which is neutral and non-polar, at codon 747 of the TRPV4 protein (p.Ser747Phe). This variant has not been reported in the literature in individuals affected with TRPV4-related conditions. In summary, the available evidence is currently insufficient to determine the role of this variant in disease. Therefore, it has been classified as a Variant of Uncertain Significance. Advanced modeling of protein sequence and biophysical properties (such as structural, functional, and spatial information, amino acid conservation, physicochemical variation, residue mobility, and thermodynamic stability) performed at Invitae indicates that this missense variant is expected to disrupt TRPV4 protein function.

NM_021625.5(TRPV4):c.2240C>T (p.Ser747Phe)

Gene: TRPV4 (transient receptor potential cation channel subfamily V member 4; minus strand). Cytogenetic location: 12q24.11.
Variant type: single nucleotide variant.
Coding change: c.2240C>T on transcript NM_021625.5 (MANE Select); coding-DNA position 2240, C replaced by T.
Protein change: p.Ser747Phe; replaces serine 747 with phenylalanine.
Molecular consequence: missense variant.
Genome position (GRCh38, 1-based): chr12:109,786,806, G>A on the plus strand (C>T on the coding strand, the complement: TRPV4 is on the minus strand). VCF-style: chr12-109786806-G-A. GRCh37 (hg19) VCF-style: chr12-110224611-G-A.
Other names: c.2099C>T, p.Ser700Phe (NM_001177428.2); c.2138C>T, p.Ser713Phe (NM_001177431.2); c.1919C>T, p.Ser640Phe (NM_001177433.2); c.2060C>T, p.Ser687Phe (NM_147204.3); short protein forms S700F, S713F, S687F, S640F, S747F.
Identifiers: ClinVar variation 2046672 (VCV002046672.4), dbSNP rs2548714167, ClinGen allele CA386649546.